The following is an entry in ClinVar:

NM_022173.4(TIA1):c.902G>T (p.Gly301Val)

Gene: TIA1 (TIA1 cytotoxic granule associated RNA binding protein; minus strand). Cytogenetic location: 2p13.3.
Variant type: single nucleotide variant.
Coding change: c.902G>T on transcript NM_022173.4 (MANE Select); coding-DNA position 902, G replaced by T.
Protein change: p.Gly301Val; replaces glycine 301 with valine.
Molecular consequence: missense variant. On other transcripts: non-coding transcript variant (17).
Genome position (GRCh38, 1-based): chr2:70,214,481, C>A on the plus strand (G>T on the coding strand, the complement: TIA1 is on the minus strand). VCF-style: chr2-70214481-C-A. GRCh37 (hg19) VCF-style: chr2-70441613-C-A.
Other names: c.764G>T, p.Gly255Val (NM_001351512.1); c.758G>T, p.Gly253Val (NM_001351513.1); c.674G>T, p.Gly225Val (NM_001351514.2); c.599G>T, p.Gly200Val (NM_001351515.2); c.479G>T, p.Gly160Val (NM_001351517.2); c.482G>T, p.Gly161Val (NM_001351524.2, NM_001351525.2); c.869G>T, p.Gly290Val (NM_022037.4); c.899G>T, p.Gly300Val (NM_001351508.2); and 3 more; short protein forms G200V, G290V, G160V, G255V, G264V, G301V, G292V, G300V.
Identifiers: ClinVar variation 2012551 (VCV002012551.4), dbSNP rs1180520068, ClinGen allele CA347150383.

ClinVar aggregate classification (germline): Uncertain significance (1 of 4 stars; one submission).

Conditions:
Welander distal myopathy (WDM). Also called: Gower's muscular dystrophy; Welander distal myopathy, Swedish type; Distal myopathy, Swedish type; MUSCULAR DYSTROPHY, DISTAL, LATE-ONSET, AUTOSOMAL DOMINANT. Identifiers: Orphanet 603, MedGen C0221054, MONDO:0011466, OMIM 604454.

Allele frequency attached by ClinVar (database versions not stated): gnomAD exomes below 0.00001.
gnomAD v4.1: 1 of 1,610,322 alleles (0.000062%); highest among the groups gnomAD compares: Non-Finnish European, 0.000085%; no homozygotes.

Submission:

Labcorp Genetics (formerly Invitae), Labcorp
Classification: Uncertain significance for Welander distal myopathy. Last evaluated: 2022-07-14. Review status: criteria provided, single submitter. Criteria: Invitae Variant Classification Sherloc (09022015). Collection method: clinical testing. Allele origin: germline.
Comment: This variant has not been reported in the literature in individuals affected with TIA1-related conditions. This variant is not present in population databases (gnomAD no frequency). This sequence change replaces glycine, which is neutral and non-polar, with valine, which is neutral and non-polar, at codon 301 of the TIA1 protein (p.Gly301Val). Algorithms developed to predict the effect of missense changes on protein structure and function (SIFT, PolyPhen-2, Align-GVGD) all suggest that this variant is likely to be tolerated. In summary, the available evidence is currently insufficient to determine the role of this variant in disease. Therefore, it has been classified as a Variant of Uncertain Significance. Algorithms developed to predict the effect of sequence changes on RNA splicing suggest that this variant may create or strengthen a splice site.